The following is an entry in ClinVar:

NM_000264.5(PTCH1):c.2251-1G>T

Genes: PTCH1 (patched 1; minus strand), LOC100507346 (uncharacterized LOC100507346; plus strand). Cytogenetic location: 9q22.32.
Variant type: single nucleotide variant.
Coding change: c.2251-1G>T on transcript NM_000264.5 (MANE Select); the canonical splice acceptor site of the intron before coding-DNA position 2251, G replaced by T.
Molecular consequence: splice acceptor variant. On other transcripts: non-coding transcript variant (1).
Genome position (GRCh38, 1-based): chr9:95,467,426, C>A on the plus strand (G>T on the coding strand, the complement: PTCH1 is on the minus strand). VCF-style: chr9-95467426-C-A. GRCh37 (hg19) VCF-style: chr9-98229708-C-A.
Other names: c.2248-1G>T (NM_001083603.3); c.2053-1G>T (NM_001083602.3); c.2095-1G>T (NM_001354918.2); c.1798-1G>T (NM_001083605.3, NM_001083604.3, NM_001083606.3 and 1 more transcripts).
Identifiers: ClinVar variation 5027564 (VCV005027564.1).

ClinVar aggregate classification (germline): Likely pathogenic (1 of 4 stars; one submission).

Conditions:
Hereditary cancer-predisposing syndrome. Also called: Neoplastic Syndromes, Hereditary; Tumor predisposition; Hereditary neoplastic syndrome; Hereditary Cancer Syndrome. Identifiers: Orphanet 140162, MedGen C0027672, MeSH D009386, MONDO:0015356.

Submission:

Ambry Genetics
Classification: Likely pathogenic for Hereditary cancer-predisposing syndrome. Last evaluated: 2026-09-02. Review status: criteria provided, single submitter. Criteria: Ambry Variant Classification Scheme 2023. Collection method: clinical testing. Allele origin: germline.
Comment: The c.2251-1G>T intronic variant results from a G to T substitution one nucleotide upstream from coding exon 15 of the PTCH1 gene. This variant was reported in individual(s) with features consistent with PTCH1-related nevoid basal cell carcinoma syndrome (Ambry internal data). This variant is considered to be rare based on population cohorts in the Genome Aggregation Database (gnomAD). This nucleotide position is highly conserved in available vertebrate species. In silico splice site analysis predicts that this alteration will weaken the native splice acceptor site and will result in the creation or strengthening of a novel splice acceptor site; however, direct evidence is insufficient at this time (Ambry internal data). Variants that disrupt the canonical splice site are expected to cause aberrant splicing, resulting in an abnormal protein or a transcript that is subject to nonsense-mediated mRNA decay. As such, this variant is classified as likely pathogenic.